The following is an entry in ClinVar:

ClinVar aggregate classification (germline): Uncertain significance. Review status: criteria provided, multiple submitters, no conflicts (2 of 4 stars). 2 submissions from 2 submitters: Uncertain significance (2). Last evaluated 2024-02-05.

Allele frequency attached by ClinVar (database versions not stated): TOPMed below 0.00001; gnomAD 0.00001; gnomAD exomes 0.00001; ExAC 0.00002.
gnomAD v4.1: 8 of 1,613,936 alleles (0.0005%); highest among the groups gnomAD compares: Non-Finnish European, 0.00068%; no homozygotes.

Submissions (2):

Ambry Genetics
Classification: Uncertain significance. Last evaluated: 2024-02-05. Review status: criteria provided, single submitter. Criteria: Ambry Variant Classification Scheme 2023. Collection method: clinical testing. Allele origin: germline.

Labcorp Genetics (formerly Invitae), Labcorp
Classification: Uncertain significance. Last evaluated: 2022-07-06. Review status: criteria provided, single submitter. Criteria: Invitae Variant Classification Sherloc (09022015). Collection method: clinical testing. Allele origin: germline.
Comment: In summary, the available evidence is currently insufficient to determine the role of this variant in disease. Therefore, it has been classified as a Variant of Uncertain Significance. Algorithms developed to predict the effect of missense changes on protein structure and function are either unavailable or do not agree on the potential impact of this missense change (SIFT: "Deleterious"; PolyPhen-2: "Probably Damaging"; Align-GVGD: "Class C0"). This variant has not been reported in the literature in individuals affected with VPS33A-related conditions. This variant is present in population databases (rs761490360, gnomAD 0.004%). This sequence change replaces tyrosine, which is neutral and polar, with cysteine, which is neutral and slightly polar, at codon 246 of the VPS33A protein (p.Tyr246Cys).

NM_022916.6(VPS33A):c.737A>G (p.Tyr246Cys)

Gene: VPS33A (VPS33A core subunit of CORVET and HOPS complexes; minus strand). Cytogenetic location: 12q24.31.
Variant type: single nucleotide variant.
Coding change: c.737A>G on transcript NM_022916.6 (MANE Select); coding-DNA position 737, A replaced by G.
Protein change: p.Tyr246Cys; replaces tyrosine 246 with cysteine.
Molecular consequence: missense variant.
Genome position (GRCh38, 1-based): chr12:122,249,909, T>C on the plus strand (A>G on the coding strand, the complement: VPS33A is on the minus strand). VCF-style: chr12-122249909-T-C. GRCh37 (hg19) VCF-style: chr12-122734456-T-C.
Other names: c.704A>G, p.Tyr235Cys (NM_001351018.2); c.689A>G, p.Tyr230Cys (NM_001351019.2); c.737A>G, p.Tyr246Cys (NM_001351020.2); c.737A>G (NM_022916.4); short protein forms Y246C, Y230C, Y235C.
Identifiers: ClinVar variation 2188615 (VCV002188615.5), dbSNP rs761490360, ClinGen allele CA6844519.